The following is an entry in ClinVar:

NM_014822.4(SEC24D):c.2953A>G (p.Met985Val)

Gene: SEC24D (SEC24 homolog D, COPII coat complex component; minus strand). Cytogenetic location: 4q26.
Variant type: single nucleotide variant.
Coding change: c.2953A>G on transcript NM_014822.4 (MANE Select); coding-DNA position 2953, A replaced by G.
Protein change: p.Met985Val; replaces methionine 985 with valine.
Molecular consequence: missense variant.
Genome position (GRCh38, 1-based): chr4:118,728,566, T>C on the plus strand (A>G on the coding strand, the complement: SEC24D is on the minus strand). VCF-style: chr4-118728566-T-C. GRCh37 (hg19) VCF-style: chr4-119649721-T-C.
Other names: c.2956A>G, p.Met986Val (NM_001318066.2); short protein forms M985V, M986V.
Identifiers: ClinVar variation 1311924 (VCV001311924.3), dbSNP rs770216170, ClinGen allele CA3056831.

ClinVar aggregate classification (germline): Uncertain significance. Review status: criteria provided, multiple submitters, no conflicts (2 of 4 stars). 2 submissions from 2 submitters: Uncertain significance (2). Last evaluated 2022-02-08.

Allele frequency attached by ClinVar (database versions not stated): gnomAD exomes below 0.00001 and 0.00001; ExAC 0.00001.
gnomAD v4.1: 9 of 1,590,964 alleles (0.00057%); highest among the groups gnomAD compares: Middle Eastern, 0.05%; no homozygotes.

Submissions (2):

Labcorp Genetics (formerly Invitae), Labcorp
Classification: Uncertain significance. Last evaluated: 2022-02-08. Review status: criteria provided, single submitter. Criteria: Invitae Variant Classification Sherloc (09022015). Collection method: clinical testing. Allele origin: germline.
Comment: This sequence change replaces methionine, which is neutral and non-polar, with valine, which is neutral and non-polar, at codon 985 of the SEC24D protein (p.Met985Val). The frequency data for this variant in the population databases is considered unreliable, as metrics indicate poor data quality at this position in the gnomAD database. This variant has not been reported in the literature in individuals affected with SEC24D-related conditions. ClinVar contains an entry for this variant (Variation ID: 1311924). Algorithms developed to predict the effect of missense changes on protein structure and function are either unavailable or do not agree on the potential impact of this missense change (SIFT: "Not Available"; PolyPhen-2: "Benign"; Align-GVGD: "Not Available"). In summary, the available evidence is currently insufficient to determine the role of this variant in disease. Therefore, it has been classified as a Variant of Uncertain Significance.

GeneDx
Classification: Uncertain significance. Last evaluated: 2020-01-07. Review status: criteria provided, single submitter. Criteria: GeneDx Variant Classification Process June 2021. Collection method: clinical testing. Allele origin: germline. Affected: yes.
Comment: Not observed at a significant frequency in large population cohorts (Lek et al., 2016); In silico analysis, which includes protein predictors and evolutionary conservation, supports a deleterious effect; Has not been previously published as pathogenic or benign to our knowledge